The following is an entry in ClinVar:

NM_003620.4(PPM1D):c.1642A>C (p.Lys548Gln)

Gene: PPM1D (protein phosphatase, Mg2+/Mn2+ dependent 1D; plus strand). Cytogenetic location: 17q23.2.
Variant type: single nucleotide variant.
Coding change: c.1642A>C on transcript NM_003620.4 (MANE Select); coding-DNA position 1642, A replaced by C.
Protein change: p.Lys548Gln; replaces lysine 548 with glutamine.
Molecular consequence: missense variant.
Genome position (GRCh38, 1-based): chr17:60,663,376, A>C. VCF-style: chr17-60663376-A-C. GRCh37 (hg19) VCF-style: chr17-58740737-A-C.
Other names: short protein forms K548Q.
Identifiers: ClinVar variation 3731028 (VCV003731028.1).

ClinVar aggregate classification (germline): Uncertain significance (1 of 4 stars; one submission).

Submission:

GeneDx
Classification: Uncertain significance. Last evaluated: 2024-08-12. Review status: criteria provided, single submitter. Criteria: GeneDx Variant Classification Process June 2021. Collection method: clinical testing. Allele origin: germline. Affected: yes.
Comment: Not observed at significant frequency in large population cohorts (gnomAD); In silico analysis indicates that this missense variant does not alter protein structure/function; Has not been previously published as pathogenic or benign to our knowledge